The following is an entry in ClinVar:

ClinVar aggregate classification (germline): Pathogenic. Review status: no assertion criteria provided (0 of 4 stars). 2 submissions from 1 submitter: Pathogenic (1). 1 of the submissions does not count toward it. Last evaluated 2018-03-14.

Conditions:
Steinert myotonic dystrophy syndrome (DM1). Also called: Myotonic dystrophy type 1; Dystrophia myotonica type 1; Steinert myotonic dystrophy; Steinert's disease; STEINERT DISEASE. Identifiers: Orphanet 273, MedGen C3250443, MONDO:0008056, OMIM 160900.

Submissions (2):

Institute of Molecular, Cell and Systems Biology, University of Glasgow
Classification: Pathogenic for Steinert myotonic dystrophy syndrome. Last evaluated: 2018-03-14. Review status: no assertion criteria provided. Collection method: research. Allele origin: paternal. Inheritance: Autosomal dominant inheritance. Affected: yes. Observed: 1 variant allele.
Comment: DMPK CTG repeat expansions greater than approximately 45-50 repeats are assumed to be pathogenic

Institute of Molecular, Cell and Systems Biology, University of Glasgow
Classification: Pathogenic for Steinert myotonic dystrophy syndrome. Review status: flagged submission. Criteria: research. Collection method: research. Allele origin: germline. Inheritance: Autosomal dominant inheritance. Affected: yes. Observed: 1 heterozygote. Not counted in ClinVar's aggregate classification.
Comment: DMPK CTG repeat expansions greater than approximately 45-50 repeats are assumed to be pathogenic

This record is based on data published in PubMed 25052313, which reports only ClinVar accessions SCV000120188 and SCV000120189. The complete data set includes SCV000207445 - SCV000207579.
ClinVar note: Reason: This record appears to be redundant with a more recent record from the same submitter.
ClinVar note: Notes: SCV000207460 appears to be redundant with SCV000747878.

Literature cited by the submitters: PubMed 29967337; PubMed 1346923; PubMed 1546326; PubMed 25052313.

NM_004409.4(DMPK):c.*224CTG[146]

Genes: DM1-AS (DM1 locus antisense RNA; plus strand), DMPK (DM1 protein kinase; minus strand), LOC107075317 (origin of replication in DMPK trinucleotide repeat region; plus strand), LOC109461477 (dystrophia myotonica protein kinase repeat instability region; plus strand). Cytogenetic location: 19q13.32.
Variant type: Microsatellite.
Coding change: c.*224CTG[146] on transcript NM_004409.4; 146 copies in a row of the 3-base unit CTG starting at c.*224.
Molecular consequence: 3 prime UTR variant (on NM_004409.5).
Genome position: GRCh38, VCF-style position (the base before the change): chr19:45,770,204. GRCh37 (hg19), VCF-style position (the base before the change): chr19:46,273,462.
Other names: DM1 CTG repeat expansion; c.*224_*283CTG[146] (NM_004409.4); c.*217CTG[146] (NM_001424162.1, NM_001424163.1, NM_001424166.1 and 2 more transcripts); c.*369CTG[146] (NM_001424164.1, NM_001424168.1, NM_001288766.2); c.*224CTG[146] (NM_001424165.1, NM_001424169.1, NM_004409.5 and 2 more transcripts); c.*222_*224TGC[146] (NM_001081563.3).
Identifiers: ClinVar variation 187924 (VCV000187924.4), ClinGen allele CA915951721.